The following is an entry in ClinVar:

ClinVar aggregate classification (germline): Benign/Likely benign. Review status: criteria provided, multiple submitters, no conflicts (2 of 4 stars). 4 submissions from 4 submitters: Benign (2); Likely benign (1). 1 of the submissions does not count toward it. Last evaluated 2024-10-10.

Conditions:
EBF3-related disorder. Identifiers: MedGen CN239924.

Allele frequency attached by ClinVar (database versions not stated): TOPMed 0.00021; gnomAD 0.00022 and 0.00029; gnomAD exomes 0.00065; ExAC 0.00093; 1000 Genomes Project 30x 0.00219; 1000 Genomes Project 0.00220.
gnomAD v4.1: 308 of 1,584,790 alleles (0.019%); highest among the groups gnomAD compares: East Asian, 0.57%; 1 homozygote.

Submissions (4):

Blueprint Genetics
Classification: Likely benign. Last evaluated: 2024-10-10. Review status: criteria provided, single submitter. Criteria: ACMG Guidelines, 2015. Collection method: clinical testing. Allele origin: germline.

Mayo Clinic Laboratories, Mayo Clinic
Classification: Benign. Last evaluated: 2024-07-09. Review status: criteria provided, single submitter. Criteria: ACMG Guidelines, 2015. Collection method: clinical testing. Allele origin: germline. Observed: 2 variant alleles.
Comment: BA1, BP4, BP7

Labcorp Genetics (formerly Invitae), Labcorp
Classification: Benign. Last evaluated: 2019-12-31. Review status: criteria provided, single submitter. Criteria: Invitae Variant Classification Sherloc (09022015). Collection method: clinical testing. Allele origin: germline.

PreventionGenetics, part of Exact Sciences
Classification: Benign for EBF3-related condition. Last evaluated: 2019-03-21. Review status: no assertion criteria provided. Collection method: clinical testing. Allele origin: germline. Not counted in ClinVar's aggregate classification.
Comment: This variant is classified as benign based on ACMG/AMP sequence variant interpretation guidelines (Richards et al. 2015 PMID: 25741868, with internal and published modifications).

NM_001375380.1(EBF3):c.1737C>T (p.Ser579=)

Gene: EBF3 (EBF transcription factor 3; minus strand). Cytogenetic location: 10q26.3.
Variant type: single nucleotide variant.
Coding change: c.1737C>T on transcript NM_001375380.1 (MANE Select); coding-DNA position 1737, C replaced by T.
Protein change: p.Ser579=; no amino-acid change (serine 579 retained).
Molecular consequence: synonymous variant.
Genome position (GRCh38, 1-based): chr10:129,840,267, G>A on the plus strand (C>T on the coding strand, the complement: EBF3 is on the minus strand). VCF-style: chr10-129840267-G-A. GRCh37 (hg19) VCF-style: chr10-131638531-G-A.
Other names: p.Ser534=; c.1602C>T, p.Ser534= (NM_001005463.3, NM_001375390.1); c.1737C>T, p.Ser579= (NM_001375379.1); c.1629C>T, p.Ser543= (NM_001375389.1, NM_001375391.1); c.1521C>T, p.Ser507= (NM_001375392.1).
Identifiers: ClinVar variation 728632 (VCV000728632.8), dbSNP rs200404588, ClinGen allele CA5748257.